The following is an entry in ClinVar:

ClinVar aggregate classification (germline): Conflicting classifications of pathogenicity. Review status: criteria provided, conflicting classifications (1 of 4 stars). 5 submissions from 5 submitters: Uncertain significance (4); Likely benign (1). Last evaluated 2026-01-05.

Conditions:
Cardiovascular phenotype. Identifiers: MedGen CN230736.

Allele frequency attached by ClinVar (database versions not stated): gnomAD exomes 0.00003 and 0.00006; ExAC 0.00007; gnomAD 0.00022 and 0.00026; TOPMed 0.00026; ESP Exome Variant Server 0.00038.
gnomAD v4.1: 75 of 1,613,962 alleles (0.0046%); highest among the groups gnomAD compares: African/African-American, 0.081%; no homozygotes.

Submissions (5):

Labcorp Genetics (formerly Invitae), Labcorp
Classification: Uncertain significance. Last evaluated: 2026-01-05. Review status: criteria provided, single submitter. Criteria: Invitae Variant Classification Sherloc (09022015). Collection method: clinical testing. Allele origin: germline.
Comment: This sequence change replaces arginine, which is basic and polar, with glycine, which is neutral and non-polar, at codon 1665 of the ALPK3 protein (p.Arg1665Gly). This variant is present in population databases (rs147450988, gnomAD 0.06%). This missense change has been observed in individual(s) with cardiomyopathy (PMID: 33874732). ClinVar contains an entry for this variant (Variation ID: 1214210). Invitae Evidence Modeling of protein sequence and biophysical properties (such as structural, functional, and spatial information, amino acid conservation, physicochemical variation, residue mobility, and thermodynamic stability) indicates that this missense variant is expected to disrupt ALPK3 protein function with a positive predictive value of 80%. In summary, the available evidence is currently insufficient to determine the role of this variant in disease. Therefore, it has been classified as a Variant of Uncertain Significance.

Ambry Genetics
Classification: Uncertain significance for Cardiovascular phenotype. Last evaluated: 2025-12-19. Review status: criteria provided, single submitter. Criteria: Ambry Variant Classification Scheme 2023. Collection method: clinical testing. Allele origin: germline.
Comment: The p.R1665G variant (also known as c.4993A>G), located in coding exon 10 of the ALPK3 gene, results from an A to G substitution at nucleotide position 4993. The arginine at codon 1665 is replaced by glycine, an amino acid with dissimilar properties. This variant has been detected in a peripartum cardiomyopathy cohort; however, details were not provided (Goli R et al. Circulation. 2021 May;143(19):1852-1862). This amino acid position is well conserved in available vertebrate species. In addition, this alteration is predicted to be tolerated by in silico analysis. Since supporting evidence is limited at this time, the clinical significance of this alteration remains unclear.

Women's Health and Genetics/Laboratory Corporation of America, LabCorp
Classification: Uncertain significance. Last evaluated: 2025-07-22. Review status: criteria provided, single submitter. Criteria: LabCorp Variant Classification Summary - May 2015. Collection method: clinical testing. Allele origin: germline.
Comment: Variant summary: ALPK3 c.4387A>G (p.Arg1463Gly) results in a non-conservative amino acid change in the encoded protein sequence. Algorithms developed to predict the effect of missense changes on protein structure and function are either unavailable or do not agree on the potential impact of this missense change. The variant allele was found at a frequency of 6.4e-05 in 251212 control chromosomes (gnomAD). This frequency is not significantly higher than estimated for a pathogenic variant in ALPK3 causing Cardiomyopathy (6.4e-05 vs 0.0071), allowing no conclusion about variant significance. c.4387A>G has been observed in one individual affected with Peripartum cardiomyopathy (Goli_2021). The report does not provide unequivocal conclusions about association of the variant with Cardiomyopathy. To our knowledge, no experimental evidence demonstrating an impact on protein function has been reported. The following publication have been ascertained in the context of this evaluation (PMID: 33874732). ClinVar contains an entry for this variant (Variation ID: 1214210). Based on the evidence outlined above, the variant was classified as uncertain significance.

Molecular Diagnostic Laboratory for Inherited Cardiovascular Disease, Montreal Heart Institute
Classification: Likely benign. Last evaluated: 2025-04-09. Review status: criteria provided, single submitter. Criteria: ACMG Guidelines, 2015. Collection method: clinical testing. Allele origin: germline. Affected: no.
Comment: BS1, BP1

GeneDx
Classification: Uncertain significance. Last evaluated: 2022-04-13. Review status: criteria provided, single submitter. Criteria: GeneDx Variant Classification Process June 2021. Collection method: clinical testing. Allele origin: germline. Affected: yes.
Comment: Has not been previously published as pathogenic or benign to our knowledge; In silico analysis supports that this missense variant has a deleterious effect on protein structure/function

Literature cited by the submitters: PubMed 33874732 (cited by 3 submitters).

NM_020778.5(ALPK3):c.4387A>G (p.Arg1463Gly)

Gene: ALPK3 (alpha kinase 3; plus strand). Cytogenetic location: 15q25.3.
Variant type: single nucleotide variant.
Coding change: c.4387A>G on transcript NM_020778.5 (MANE Select); coding-DNA position 4387, A replaced by G.
Protein change: p.Arg1463Gly; replaces arginine 1463 with glycine.
Molecular consequence: missense variant.
Genome position (GRCh38, 1-based): chr15:84,862,892, A>G. VCF-style: chr15-84862892-A-G. GRCh37 (hg19) VCF-style: chr15-85406123-A-G.
Other names: short protein forms R1463G.
Identifiers: ClinVar variation 1214210 (VCV001214210.16), dbSNP rs147450988, ClinGen allele CA7709943.
Genomic context (GRCh38, chr15:84,862,892, plus strand): 5'-ATCATCAAGGTGTCCAGCCTGCTTGTGTTTGGGCCCAGCAGTGAGACTTCTCTTGTGGGC[A>G]GAAACTACGACGTCACCATCCAGGTACTATGTCCCATCTTCACACCCCATTCTTTTATTC-3'
Protein context (NP_065829.4, residues 1453-1473): GPSSETSLVG[Arg1463Gly]NYDVTIQGCK